The following is an entry in ClinVar:

ClinVar aggregate classification (germline): Benign/Likely benign. Review status: criteria provided, multiple submitters, no conflicts (2 of 4 stars). 10 submissions from 9 submitters: Benign (7); Likely benign (3). Last evaluated 2026-07-01.

Conditions:
Developmental and epileptic encephalopathy, 28 (DEE28). Also called: Epileptic encephalopathy, early infantile, 28. Identifiers: Orphanet 442835, MedGen C4015519, MONDO:0014533, OMIM 616211.
Autosomal recessive spinocerebellar ataxia 12. Also called: SPINOCEREBELLAR ATAXIA WITH MENTAL RETARDATION AND EPILEPSY. Identifiers: Orphanet 284282, MedGen C3280452, MONDO:0013687, OMIM 614322.
Developmental and epileptic encephalopathy, 1 (DEE1). Also called: X-linked infantile spasms; West's syndrome; Tonic spasms with clustering, arrest of psychomotor development and hypsarrhythmia on EEG; X-Linked Infantile Spasm Syndrome; OHTAHARA SYNDROME, X-LINKED; INFANTILE SPASM SYNDROME, X-LINKED 1. Identifiers: MedGen C3463992, MONDO:0010632, OMIM 308350. Disease mechanism: loss of function.

Allele frequency attached by ClinVar (database versions not stated): ESP Exome Variant Server 0.00008; ExAC 0.00143; gnomAD exomes 0.00185; gnomAD 0.00083 and 0.00088; 1000 Genomes Project 0.00100; 1000 Genomes Project 30x 0.00109; TOPMed 0.00109.
gnomAD v4.1: 870 of 1,614,216 alleles (0.054%); highest among the groups gnomAD compares: Admixed American, 0.97%; 10 homozygotes.

Submissions (10):

CeGaT Center for Human Genetics Tuebingen
Classification: Benign. Last evaluated: 2026-07-01. Review status: criteria provided, single submitter. Criteria: CeGaT Center For Human Genetics Tuebingen Variant Classification Criteria Version 2. Collection method: clinical testing. Allele origin: germline. Affected: yes. Observed: 8 variant alleles.
Comment: WWOX: BS1, BS2

Labcorp Genetics (formerly Invitae), Labcorp
Classification: Benign for Developmental and epileptic encephalopathy, 1; Autosomal recessive spinocerebellar ataxia 12. Last evaluated: 2026-02-03. Review status: criteria provided, single submitter. Criteria: Invitae Variant Classification Sherloc (09022015). Collection method: clinical testing. Allele origin: germline.

Blueprint Genetics
Classification: Likely benign. Last evaluated: 2024-09-17. Review status: criteria provided, single submitter. Criteria: ACMG Guidelines, 2015. Collection method: clinical testing. Allele origin: germline.

Mayo Clinic Laboratories, Mayo Clinic
Classification: Benign. Last evaluated: 2022-09-28. Review status: criteria provided, single submitter. Criteria: ACMG Guidelines, 2015. Collection method: clinical testing. Allele origin: germline. Observed: 3 variant alleles.
Comment: BS1, BS2

Genome-Nilou Lab
Classification: Benign for Developmental and epileptic encephalopathy, 28. Last evaluated: 2021-12-05. Review status: criteria provided, single submitter. Criteria: ACMG Guidelines, 2015. Collection method: clinical testing. Allele origin: germline. Affected: no.

Genome-Nilou Lab
Classification: Benign for Autosomal recessive spinocerebellar ataxia 12. Last evaluated: 2021-12-05. Review status: criteria provided, single submitter. Criteria: ACMG Guidelines, 2015. Collection method: clinical testing. Allele origin: germline. Affected: no.

Genetic Services Laboratory, University of Chicago
Classification: Benign. Last evaluated: 2017-05-17. Review status: criteria provided, single submitter. Criteria: ACMG Guidelines, 2015. Collection method: clinical testing. Allele origin: germline. Affected: no.

GeneDx
Classification: Benign. Last evaluated: 2016-06-06. Review status: criteria provided, single submitter. Criteria: GeneDx Variant Classification (06012015). Collection method: clinical testing. Allele origin: germline. Affected: yes.
Comment: This variant is considered likely benign or benign based on one or more of the following criteria: it is a conservative change, it occurs at a poorly conserved position in the protein, it is predicted to be benign by multiple in silico algorithms, and/or has population frequency not consistent with disease.

Center for Pediatric Genomic Medicine, Children's Mercy Hospital and Clinics
Classification: Likely benign. Last evaluated: 2016-05-03. Review status: criteria provided, single submitter. Criteria: ACMG Guidelines, 2015. Collection method: clinical testing. Allele origin: germline.
ClinVar note: Converted during submission from Likely Benign to Likely benign.

Breakthrough Genomics
Classification: Likely benign. Review status: criteria provided, single submitter. Criteria: ACMG Guidelines, 2015. Collection method: not provided. Allele origin: germline. Inheritance: Autosomal recessive inheritance. Affected: yes.

NM_016373.4(WWOX):c.1141C>T (p.Arg381Cys)

Genes: MAF (MAF bZIP transcription factor; minus strand), WWOX (WW domain containing oxidoreductase; plus strand). Cytogenetic location: 16q23.2.
Variant type: single nucleotide variant.
Coding change: c.1141C>T on transcript NM_016373.4 (MANE Select); coding-DNA position 1141, C replaced by T.
Protein change: p.Arg381Cys; replaces arginine 381 with cysteine.
Molecular consequence: missense variant.
Genome position (GRCh38, 1-based): chr16:79,211,692, C>T. VCF-style: chr16-79211692-C-T. GRCh37 (hg19) VCF-style: chr16-79245589-C-T.
Other names: p.Arg381Cys; c.802C>T, p.Arg268Cys (NM_001291997.2); short protein forms R381C, R268C.
Identifiers: ClinVar variation 235284 (VCV000235284.47), dbSNP rs200461412, ClinGen allele CA8183758.